The following is an entry in ClinVar:

NM_020921.4(NIN):c.1474G>A (p.Glu492Lys)

Gene: NIN (ninein; minus strand). Cytogenetic location: 14q22.1.
Variant type: single nucleotide variant.
Coding change: c.1474G>A on transcript NM_020921.4 (MANE Select); coding-DNA position 1474, G replaced by A.
Protein change: p.Glu492Lys; replaces glutamic acid 492 with lysine.
Molecular consequence: missense variant.
Genome position (GRCh38, 1-based): chr14:50,766,851, C>T on the plus strand (G>A on the coding strand, the complement: NIN is on the minus strand). VCF-style: chr14-50766851-C-T. GRCh37 (hg19) VCF-style: chr14-51233569-C-T.
Other names: c.1474G>A, p.Glu492Lys (NM_016350.5, NM_182944.3, NM_182946.2); short protein forms E492K.
Identifiers: ClinVar variation 3611164 (VCV003611164.2).

ClinVar aggregate classification (germline): Uncertain significance (1 of 4 stars; one submission).

gnomAD v4.1: 1 of 1,613,980 alleles (0.000062%); highest among the groups gnomAD compares: Admixed American, 0.0017%; no homozygotes.

Submission:

Labcorp Genetics (formerly Invitae), Labcorp
Classification: Uncertain significance. Last evaluated: 2024-07-16. Review status: criteria provided, single submitter. Criteria: Invitae Variant Classification Sherloc (09022015). Collection method: clinical testing. Allele origin: germline.
Comment: This sequence change replaces glutamic acid, which is acidic and polar, with lysine, which is basic and polar, at codon 492 of the NIN protein (p.Glu492Lys). This variant is present in population databases (rs761835610, gnomAD 0.003%). This variant has not been reported in the literature in individuals affected with NIN-related conditions. An algorithm developed to predict the effect of missense changes on protein structure and function (PolyPhen-2) suggests that this variant is likely to be disruptive. In summary, the available evidence is currently insufficient to determine the role of this variant in disease. Therefore, it has been classified as a Variant of Uncertain Significance.